The following is an entry in ClinVar:

NM_014712.3(SETD1A):c.1381dup (p.Arg461fs)

Gene: SETD1A (SET domain containing 1A, histone lysine methyltransferase; plus strand). Cytogenetic location: 16p11.2.
Variant type: Duplication.
Coding change: c.1381dup on transcript NM_014712.3 (MANE Select); coding-DNA position 1381, one base duplicated (C; older notation c.1381dupC).
Protein change: p.Arg461fs; shifts the reading frame from arginine 461.
Molecular consequence: frameshift variant.
Genome position (GRCh38, 1-based): chr16:30,965,123, C duplicated; the last of 6 consecutive C bases (chr16:30,965,118-30,965,123); duplicating any one gives the same sequence. VCF-style (leftmost placement, unchanged base first): chr16-30965117-T-TC. GRCh37 (hg19) VCF-style: chr16-30976438-T-TC.
Other names: short protein forms R461fs.
Identifiers: ClinVar variation 3440151 (VCV003440151.1).

ClinVar aggregate classification (germline): Pathogenic (1 of 4 stars; one submission).

Conditions:
Inborn genetic diseases. Identifiers: MedGen C0950123, MeSH D030342.

Submission:

Ambry Genetics
Classification: Pathogenic for Inborn genetic diseases. Last evaluated: 2024-08-13. Review status: criteria provided, single submitter. Criteria: Ambry Variant Classification Scheme 2023. Collection method: clinical testing. Allele origin: germline.
Comment: The c.1381dupC (p.R461Pfs*18) alteration, located in exon 7 (coding exon 6) of the SETD1A gene, consists of a duplication of C at position 1381, causing a translational frameshift with a predicted alternate stop codon after 18 amino acids. This alteration is expected to result in loss of function by premature protein truncation or nonsense-mediated mRNA decay. The SETD1A c.1381dupC alteration was flagged as a low confidence call in the Genome Aggregation Database (gnomAD). Based on the available evidence, this alteration is classified as pathogenic.